The following is an entry in ClinVar:

ClinVar aggregate classification (germline): Conflicting classifications of pathogenicity. Review status: criteria provided, conflicting classifications (1 of 4 stars). 3 submissions from 3 submitters: Uncertain significance (2); Likely benign (1). Last evaluated 2024-08-13.

Conditions:
Platelet abnormalities with eosinophilia and immune-mediated inflammatory disease. Also called: IMMUNODEFICIENCY 71 WITH INFLAMMATORY DISEASE AND CONGENITAL THROMBOCYTOPENIA. Identifiers: MedGen C4540232, MONDO:0060583, OMIM 617718.

Allele frequency attached by ClinVar (database versions not stated): gnomAD 0.00017; gnomAD exomes 0.00019; ESP Exome Variant Server 0.00023; TOPMed 0.00014; ExAC 0.00015.
gnomAD v4.1: 301 of 1,613,878 alleles (0.019%); highest among the groups gnomAD compares: Middle Eastern, 0.049%; 1 homozygote.

Submissions (3):

Blueprint Genetics
Classification: Likely benign. Last evaluated: 2024-08-13. Review status: criteria provided, single submitter. Criteria: ACMG Guidelines, 2015. Collection method: clinical testing. Allele origin: germline.

Revvity Omics, Revvity
Classification: Uncertain significance for Platelet abnormalities with eosinophilia and immune-mediated inflammatory disease. Last evaluated: 2023-08-24. Review status: criteria provided, single submitter. Criteria: ACMG Guidelines, 2015. Collection method: clinical testing. Allele origin: germline.

Labcorp Genetics (formerly Invitae), Labcorp
Classification: Uncertain significance. Last evaluated: 2022-10-16. Review status: criteria provided, single submitter. Criteria: Invitae Variant Classification Sherloc (09022015). Collection method: clinical testing. Allele origin: germline.
Comment: This sequence change replaces alanine, which is neutral and non-polar, with threonine, which is neutral and polar, at codon 238 of the ARPC1B protein (p.Ala238Thr). This variant is present in population databases (rs147238850, gnomAD 0.03%). This missense change has been observed in individual(s) with eukocytoclastic vasculitis and eosinophilia (PMID: 28368018). Advanced modeling of protein sequence and biophysical properties (such as structural, functional, and spatial information, amino acid conservation, physicochemical variation, residue mobility, and thermodynamic stability) performed at Invitae indicates that this missense variant is not expected to disrupt ARPC1B protein function. In summary, the available evidence is currently insufficient to determine the role of this variant in disease. Therefore, it has been classified as a Variant of Uncertain Significance.

Literature cited by the submitters: PubMed 28368018 (cited by Labcorp Genetics (formerly Invitae), Labcorp).

NM_005720.4(ARPC1B):c.712G>A (p.Ala238Thr)

Gene: ARPC1B (actin related protein 2/3 complex subunit 1B; plus strand). Cytogenetic location: 7q22.1.
Variant type: single nucleotide variant.
Coding change: c.712G>A on transcript NM_005720.4 (MANE Select); coding-DNA position 712, G replaced by A.
Protein change: p.Ala238Thr; replaces alanine 238 with threonine.
Molecular consequence: missense variant.
Genome position (GRCh38, 1-based): chr7:99,391,182, G>A. VCF-style: chr7-99391182-G-A. GRCh37 (hg19) VCF-style: chr7-98988805-G-A.
Other names: short protein forms A238T.
Identifiers: ClinVar variation 2169464 (VCV002169464.3), dbSNP rs147238850, ClinGen allele CA4364114.
Genomic context (GRCh38, chr7:99,391,182, plus strand): 5'-GGAGGAGGTGAGTGCAGAGGAGTGGGACACCGTGACTCACAGCTCTCTCCCCTCAGCGTC[G>A]CGACTCTGGCCTCTGAAACACTACCACTGCTGGCGCTGACCTTCATCACAGACAACAGCC-3'
Protein context (NP_005711.1, residues 228-248): LADADKKMAV[Ala238Thr]TLASETLPLL